The following is an entry in ClinVar:

ClinVar aggregate classification (germline): Uncertain significance (1 of 4 stars; one submission).

Submission:

Labcorp Genetics (formerly Invitae), Labcorp
Classification: Uncertain significance. Last evaluated: 2022-08-26. Review status: criteria provided, single submitter. Criteria: Invitae Variant Classification Sherloc (09022015). Collection method: clinical testing. Allele origin: germline.
Comment: In summary, the available evidence is currently insufficient to determine the role of this variant in disease. Therefore, it has been classified as a Variant of Uncertain Significance. Algorithms developed to predict the effect of missense changes on protein structure and function are either unavailable or do not agree on the potential impact of this missense change (SIFT: "Deleterious"; PolyPhen-2: "Possibly Damaging"; Align-GVGD: "Class C0"). This variant has not been reported in the literature in individuals affected with KMT2E-related conditions. This variant is not present in population databases (gnomAD no frequency). This sequence change replaces proline, which is neutral and non-polar, with leucine, which is neutral and non-polar, at codon 351 of the KMT2E protein (p.Pro351Leu).

NM_182931.3(KMT2E):c.1052C>T (p.Pro351Leu)

Gene: KMT2E (lysine methyltransferase 2E (inactive); plus strand). Cytogenetic location: 7q22.3.
Variant type: single nucleotide variant.
Coding change: c.1052C>T on transcript NM_182931.3 (MANE Select); coding-DNA position 1052, C replaced by T.
Protein change: p.Pro351Leu; replaces proline 351 with leucine.
Molecular consequence: missense variant.
Genome position (GRCh38, 1-based): chr7:105,077,355, C>T. VCF-style: chr7-105077355-C-T. GRCh37 (hg19) VCF-style: chr7-104717802-C-T.
Other names: c.1052C>T, p.Pro351Leu (NM_001410908.1, NM_018682.4); short protein forms P351L.
Identifiers: ClinVar variation 1718080 (VCV001718080.5), dbSNP rs756973059, ClinGen allele CA368778106.